The following is an entry in ClinVar:

NM_001009944.3(PKD1):c.11713-16A>C

Gene: PKD1 (polycystin 1, transient receptor potential channel interacting; minus strand). Cytogenetic location: 16p13.3.
Variant type: single nucleotide variant.
Coding change: c.11713-16A>C on transcript NM_001009944.3 (MANE Select); 16 bases into the intron before coding-DNA position 11713, A replaced by C.
Molecular consequence: intron variant.
Genome position (GRCh38, 1-based): chr16:2,091,190, T>G on the plus strand (A>C on the coding strand, the complement: PKD1 is on the minus strand). VCF-style: chr16-2091190-T-G. GRCh37 (hg19) VCF-style: chr16-2141191-T-G.
Other names: c.11710-16A>C (NM_000296.4).
Identifiers: ClinVar variation 3043234 (VCV003043234.2), dbSNP rs1402961732, ClinGen allele CA620705202.

ClinVar aggregate classification (germline): Likely benign (0 of 4 stars; one submission).

Conditions:
PKD1-related disorder. Also called: PKD1-related condition.

Allele frequency attached by ClinVar (database versions not stated): gnomAD exomes 0.00002; gnomAD 0.00007.

Submission:

PreventionGenetics, part of Exact Sciences
Classification: Likely benign for PKD1-related condition. Last evaluated: 2024-02-28. Review status: no assertion criteria provided. Collection method: clinical testing. Allele origin: germline.
Comment: This variant is classified as likely benign based on ACMG/AMP sequence variant interpretation guidelines (Richards et al. 2015 PMID: 25741868, with internal and published modifications).